The following is an entry in ClinVar:

NM_001844.5(COL2A1):c.3597+1G>C

Gene: COL2A1 (collagen type II alpha 1 chain; minus strand). Cytogenetic location: 12q13.11.
Variant type: single nucleotide variant.
Coding change: c.3597+1G>C on transcript NM_001844.5 (MANE Select); the canonical splice donor site of the intron after coding-DNA position 3597, G replaced by C.
Molecular consequence: splice donor variant.
Genome position (GRCh38, 1-based): chr12:47,975,962, C>G on the plus strand (G>C on the coding strand, the complement: COL2A1 is on the minus strand). VCF-style: chr12-47975962-C-G. GRCh37 (hg19) VCF-style: chr12-48369745-C-G.
Other names: c.3597+1G>C (NM_001844.4); c.3390+1G>C (NM_033150.3).
Identifiers: ClinVar variation 1453644 (VCV001453644.14), dbSNP rs1555164874, ClinGen allele CA384537250.

ClinVar aggregate classification (germline): Pathogenic. Review status: criteria provided, multiple submitters, no conflicts (2 of 4 stars). 3 submissions from 3 submitters: Pathogenic (3). Last evaluated 2024-12-16.

Conditions:
COL2A1-related disorder. Also called: COL2A1-related condition; COL2A1-related disorders.
Stickler syndrome. Identifiers: Orphanet 828, MedGen C0265253, MONDO:0019354.

Submissions (3):

PreventionGenetics, part of Exact Sciences
Classification: Pathogenic for COL2A1-related condition. Last evaluated: 2024-12-16. Review status: criteria provided, single submitter. Criteria: ACMG Guidelines, 2015. Collection method: clinical testing. Allele origin: germline.
Comment: The COL2A1 c.3597+1G>C variant is predicted to disrupt the GT donor site and interfere with normal splicing. This variant has been reported in an individual with retinal degeneration and high myopia (Table S2, Wang et al 2019. PubMed ID: 31106028) and found in a family (mother and child) in a retrospective study of critically ill patients, but no phenotypic information was provided (Table S2, Marouane et al. 2023. PubMed ID: 38259611). This variant has not been reported in a large population database, indicating this variant is rare. Variants that disrupt the consensus splice donor site in COL2A1 are expected to be pathogenic. This variant is interpreted as pathogenic.

Molecular Genetics, Royal Melbourne Hospital
Classification: Pathogenic for Stickler syndrome. Last evaluated: 2024-08-05. Review status: criteria provided, single submitter. Criteria: ACMG Guidelines, 2015. Collection method: clinical testing. Allele origin: germline. Inheritance: Autosomal dominant inheritance. Affected: yes.
Comment: This sequence change in COL2A1 occurs within the canonical splice donor site of intron 50. This canonical splice variant is predicted to cause out-of-frame cryptic donor activation or skipping of biologically relevant exon 50/54 resulting in an in-frame deletion (removes 1164-1199aa) in the collagen domain which is critical to collagen type II protein function (PMID: 20301479). This variant is absent from the population database gnomAD v4.1. This variant has been reported in at least three unrelated individuals with a clinical diagnosis of Stickler Syndrome (PMID: 18276201, 32756486; Royal Melbourne Hospital). The variant has been reported to segregate with Stickler Syndrome in three affected family members from two unrelated families (PMID: 18276201, 32756486). Based on the classification scheme RMH Modified ACMG/AMP Guidelines v1.7.0, this variant is classified as PATHOGENIC. Following criteria are met: PVS1, PP1_Moderate, PS4_Moderate, PM2_Supporting

Labcorp Genetics (formerly Invitae), Labcorp
Classification: Pathogenic. Last evaluated: 2022-12-08. Review status: criteria provided, single submitter. Criteria: Invitae Variant Classification Sherloc (09022015). Collection method: clinical testing. Allele origin: germline.
Comment: This sequence change affects a donor splice site in intron 50 of the COL2A1 gene. It is expected to disrupt RNA splicing. Variants that disrupt the donor or acceptor splice site typically lead to a loss of protein function (PMID: 16199547), and loss-of-function variants in COL2A1 are known to be pathogenic (PMID: 20179744). This variant is not present in population databases (gnomAD no frequency). Disruption of this splice site has been observed in individual(s) with clinical features of Stickler syndrome (PMID: 18276201, 31106028). It has also been observed to segregate with disease in related individuals. ClinVar contains an entry for this variant (Variation ID: 1453644). Algorithms developed to predict the effect of sequence changes on RNA splicing suggest that this variant may disrupt the consensus splice site. For these reasons, this variant has been classified as Pathogenic.

Literature cited by the submitters: PubMed 18276201 (cited by Molecular Genetics, Royal Melbourne Hospital and Labcorp Genetics (formerly Invitae), Labcorp); PubMed 20301479 (cited by Molecular Genetics, Royal Melbourne Hospital); PubMed 32756486 (cited by Molecular Genetics, Royal Melbourne Hospital); PubMed 16199547 (cited by Labcorp Genetics (formerly Invitae), Labcorp); PubMed 20179744 (cited by Labcorp Genetics (formerly Invitae), Labcorp); PubMed 31106028 (cited by Labcorp Genetics (formerly Invitae), Labcorp).